The following is an entry in ClinVar:

ClinVar aggregate classification (germline): Likely benign (1 of 4 stars; one submission).

Submission:

CeGaT Center for Human Genetics Tuebingen
Classification: Likely benign. Last evaluated: 2024-02-01. Review status: criteria provided, single submitter. Criteria: CeGaT Center For Human Genetics Tuebingen Variant Classification Criteria Version 2. Collection method: clinical testing. Allele origin: germline. Affected: yes. Observed: 1 variant allele.
Comment: PITRM1: PM2:Supporting, BP4, BP7

NM_014889.4(PITRM1):c.819A>G (p.Leu273=)

Gene: PITRM1 (pitrilysin metallopeptidase 1; minus strand). Cytogenetic location: 10p15.2.
Variant type: single nucleotide variant.
Coding change: c.819A>G on transcript NM_014889.4 (MANE Select); coding-DNA position 819, A replaced by G.
Protein change: p.Leu273=; no amino-acid change (leucine 273 retained).
Molecular consequence: synonymous variant. On other transcripts: 5 prime UTR variant (1), non-coding transcript variant (4).
Genome position (GRCh38, 1-based): chr10:3,160,303, T>C on the plus strand (A>G on the coding strand, the complement: PITRM1 is on the minus strand). VCF-style: chr10-3160303-T-C. GRCh37 (hg19) VCF-style: chr10-3202495-T-C.
Other names: c.819A>G, p.Leu273= (NM_001242307.2, NM_001347725.2); c.723A>G, p.Leu241= (NM_001242309.1); c.204A>G, p.Leu68= (NM_001347726.2, NM_001347727.2); c.-482A>G (NM_001347728.2); c.795A>G, p.Leu265= (NM_001347729.1, NM_001347730.1).
Identifiers: ClinVar variation 3026258 (VCV003026258.22), dbSNP rs2491836507, ClinGen allele CA468166512.
Genomic context (GRCh38, chr10:3,160,303, plus strand): 5'-TGGTTCAATTTTCTGGAATTTGCTCAGTGCTTCCTCGTGAATTTGTTTCAGATGCTGTTC[T>C]AATGGAAAATTACCGTACGTGAAGAACCTAAAATTTTAAGGGAATATAATTAGTCTGTTT-3'
Protein context (NP_055704.2, residues 263-283): ARFFTYGNFP[Leu273=]EQHLKQIHEE